The following is an entry in ClinVar:

ClinVar aggregate classification (germline): Likely benign. Review status: criteria provided, multiple submitters, no conflicts (2 of 4 stars). 4 submissions from 4 submitters: Likely benign (4). Last evaluated 2024-02-22.

Conditions:
Familial hypercholesterolemia. Also called: Familial hypercholesterolaemia; Familial hypercholesterolemias. Identifiers: MedGen C0020445, MONDO:0005439.
Cardiovascular phenotype. Identifiers: MedGen CN230736.
Hypercholesterolemia, autosomal dominant, type B (FHCL2). Also called: Hyperlipoproteinemia Type IIb; Familial Hypercholesterolemia Type B; APOLIPOPROTEIN B-100, FAMILIAL DEFECTIVE; APOLIPOPROTEIN B-100, FAMILIAL LIGAND-DEFECTIVE; HYPERCHOLESTEROLEMIA, FAMILIAL, DUE TO LIGAND-DEFECTIVE APOLIPOPROTEIN B; APOB-Related Familial Hypercholesterolemia, Autosomal Dominant. Identifiers: MedGen C1704417, MONDO:0007751, OMIM 144010.
Familial hypobetalipoproteinemia 1. Also called: Hypobetalipoproteinemia, normotriglyceridemic; Acanthocytosis with hypobetalipoproteinemia; APOB-Related Familial Hypobetalipoproteinemia. Identifiers: MedGen C4551990, MONDO:0014252, OMIM 615558.

Allele frequency attached by ClinVar (database versions not stated): gnomAD 0.00001; gnomAD exomes 0.00001; ExAC 0.00002; TOPMed 0.00003.
gnomAD v4.1: 19 of 1,613,846 alleles (0.0012%); highest among the groups gnomAD compares: Admixed American, 0.005%; no homozygotes.

Submissions (4):

GENinCode PLC
Classification: Likely benign for Familial hypercholesterolemia. Last evaluated: 2024-02-22. Review status: criteria provided, single submitter. Criteria: ACMG Guidelines, 2015. Collection method: clinical testing. Allele origin: germline.
Comment: This is a synonymous (silent) variant that is not predicted by SpliceAI to impact splicing. In addition, it occurs at a nucleotide that is not conserved. Therefore this variant has been classified as Likely Benign (BP4, BP7).

Labcorp Genetics (formerly Invitae), Labcorp
Classification: Likely benign for Familial hypobetalipoproteinemia 1; Hypercholesterolemia, autosomal dominant, type B. Last evaluated: 2023-05-05. Review status: criteria provided, single submitter. Criteria: Invitae Variant Classification Sherloc (09022015). Collection method: clinical testing. Allele origin: germline.

GeneDx
Classification: Likely benign. Last evaluated: 2020-07-06. Review status: criteria provided, single submitter. Criteria: GeneDx Variant Classification Process June 2021. Collection method: clinical testing. Allele origin: germline. Affected: yes.
Comment: See Variant Classification Assertion Criteria.

Ambry Genetics
Classification: Likely benign for Cardiovascular phenotype. Last evaluated: 2020-06-03. Review status: criteria provided, single submitter. Criteria: Ambry Variant Classification Scheme 2023. Collection method: clinical testing. Allele origin: germline.

NM_000384.3(APOB):c.8112G>A (p.Ala2704=)

Gene: APOB (apolipoprotein B; minus strand). Cytogenetic location: 2p24.1.
Variant type: single nucleotide variant.
Coding change: c.8112G>A on transcript NM_000384.3 (MANE Select); coding-DNA position 8112, G replaced by A.
Protein change: p.Ala2704=; no amino-acid change (alanine 2704 retained).
Molecular consequence: synonymous variant.
Genome position (GRCh38, 1-based): chr2:21,008,756, C>T on the plus strand (G>A on the coding strand, the complement: APOB is on the minus strand). VCF-style: chr2-21008756-C-T. GRCh37 (hg19) VCF-style: chr2-21231628-C-T.
Identifiers: ClinVar variation 1609869 (VCV001609869.13), dbSNP rs746758433, ClinGen allele CA065169.